The following is an entry in ClinVar:

ClinVar aggregate classification (germline): Uncertain significance (1 of 4 stars; one submission).

Submission:

Ambry Genetics
Classification: Uncertain significance. Last evaluated: 2022-11-30. Review status: criteria provided, single submitter. Criteria: Ambry Variant Classification Scheme 2023. Collection method: clinical testing. Allele origin: germline.
Comment: The p.L106V variant (also known as c.316C>G), located in coding exon 2 of the POLQ gene, results from a C to G substitution at nucleotide position 316. The leucine at codon 106 is replaced by valine, an amino acid with highly similar properties. This amino acid position is conserved. In addition, this alteration is predicted to be tolerated by in silico analysis. Since supporting evidence is limited at this time, the clinical significance of this alteration remains unclear.

NM_199420.4(POLQ):c.316C>G (p.Leu106Val)

Gene: POLQ (DNA polymerase theta; minus strand). Cytogenetic location: 3q13.33.
Variant type: single nucleotide variant.
Coding change: c.316C>G on transcript NM_199420.4 (MANE Select); coding-DNA position 316, C replaced by G.
Protein change: p.Leu106Val; replaces leucine 106 with valine.
Molecular consequence: missense variant.
Genome position (GRCh38, 1-based): chr3:121,544,754, G>C on the plus strand (C>G on the coding strand, the complement: POLQ is on the minus strand). VCF-style: chr3-121544754-G-C. GRCh37 (hg19) VCF-style: chr3-121263601-G-C.
Other names: short protein forms L106V.
Identifiers: ClinVar variation 2448922 (VCV002448922.2), dbSNP rs2546827843, ClinGen allele CA354094282.